The following is an entry in ClinVar:

NM_181486.4(TBX5):c.1180G>T (p.Glu394Ter)

Gene: TBX5 (T-box transcription factor 5; minus strand). Cytogenetic location: 12q24.21.
Variant type: single nucleotide variant.
Coding change: c.1180G>T on transcript NM_181486.4 (MANE Select); coding-DNA position 1180, G replaced by T.
Protein change: p.Glu394Ter; replaces glutamic acid 394 with a stop codon.
Molecular consequence: nonsense.
Genome position (GRCh38, 1-based): chr12:114,355,909, C>A on the plus strand (G>T on the coding strand, the complement: TBX5 is on the minus strand). VCF-style: chr12-114355909-C-A. GRCh37 (hg19) VCF-style: chr12-114793714-C-A.
Other names: c.1180G>T, p.Glu394Ter (NM_000192.3); c.1030G>T, p.Glu344Ter (NM_080717.4); short protein forms E344*, E394*.
Identifiers: ClinVar variation 4993282 (VCV004993282.1).

ClinVar aggregate classification (germline): Likely pathogenic (1 of 4 stars; one submission).

Conditions:
TBX5-related disorder. Also called: TBX5-related condition.

Submission:

PreventionGenetics, part of Exact Sciences
Classification: Likely pathogenic for TBX5-related condition. Last evaluated: 2026-03-01. Review status: criteria provided, single submitter. Criteria: ACMG Guidelines, 2015. Collection method: clinical testing. Allele origin: germline.
Comment: The TBX5 c.1180G>T variant is predicted to result in premature protein termination (p.Glu394*). To our knowledge, this variant has not been reported in the literature or in a large population database (gnomAD), indicating this variant is rare. Nonsense variants in TBX5 are expected to be pathogenic. This variant is interpreted as likely pathogenic.